The following is an entry in ClinVar:

ClinVar aggregate classification (germline): Conflicting classifications of pathogenicity. Review status: criteria provided, conflicting classifications (1 of 4 stars). 2 submissions from 2 submitters: Uncertain significance (1); Likely benign (1). Last evaluated 2025-11-26.

Conditions:
Pulmonary fibrosis and/or bone marrow failure, Telomere-related, 1. Also called: PULMONARY FIBROSIS AND/OR BONE MARROW FAILURE SYNDROME, TELOMERE-RELATED, 1. Identifiers: Orphanet 88, MedGen C3553617, MONDO:0013878, OMIM 614742.
Idiopathic Pulmonary Fibrosis. Also called: Idiopathic fibrosing alveolitis, chronic form; idiopathic fibrosing alveolitis. Identifiers: Orphanet 2032, MedGen C1800706, MeSH D054990, MONDO:0800504.
Dyskeratosis congenita, autosomal dominant 2. Identifiers: MedGen C3151443, MONDO:0013521, OMIM 613989.

Allele frequency attached by ClinVar (database versions not stated): gnomAD exomes below 0.00001.
gnomAD v4.1: 3 of 1,614,164 alleles (0.00019%); highest among the groups gnomAD compares: Non-Finnish European, 0.00025%; no homozygotes.

Submissions (2):

Victorian Clinical Genetics Services, Murdoch Childrens Research Institute
Classification: Likely benign for Pulmonary fibrosis and/or bone marrow failure, Telomere-related, 1. Last evaluated: 2025-11-26. Review status: criteria provided, single submitter. Criteria: ACMG Guidelines, 2015. Collection method: clinical testing. Allele origin: germline. Affected: yes.
Comment: This variant is classified as Likely benign. Evidence in support of pathogenic classification: Variant is present in gnomAD <0.01 (v4: 3 heterozygote(s), 0 homozygote(s)). Evidence in support of benign classification: This variant has moderate functional evidence supporting normal protein function. In vitro expression in HEK293T cells concluded this variant displayed no reduction in telomerase activity or ability to associate with TERC compared to wildtype. However, an effect on trafficking to telomeres could not be excluded (Cell Biology Unit, Children's Medical Research Institute, NSW, Australia) - Missense variant predicted to be tolerated by in silico tool(s) or not conserved in placental mammals with a minor amino acid change. Additional information: Variant is predicted to result in a missense amino acid change from Ala to Val; This variant is heterozygous; This gene is associated with both recessive and dominant disease. No specific genotype-phenotype correlations have been established (PMID: 20301779); Alternative amino acid change(s) at the same position are present in gnomAD (highest allele count: v4: 2 heterozygote(s), 0 homozygote(s)). - Previous evidence of pathogenicity for this variant is inconclusive. This variant has been classified as a VUS by a clinical laboratory in ClinVar; No published evidence of segregation with disease has been identified for this variant; No comparable missense variants have previous evidence for pathogenicity; Variant is not located in an established domain, motif, hotspot or informative constraint region; Loss of function is a known mechanism of disease in this gene and is associated with autosomal dominant dyskeratosis congenita 2 and autosomal recessive dyskeratosis congenita 4 (MIM#613989) and telomere-related pulmonary fibrosis and/or bone marrow failure 1 (MIM#614742); Variants in this gene are known to have variable expressivity. Phenotypic variability is well reported for dyskeratosis congenita (OMIM, PMID: 20301779).

Labcorp Genetics (formerly Invitae), Labcorp
Classification: Uncertain significance for Dyskeratosis congenita, autosomal dominant 2; Idiopathic Pulmonary Fibrosis. Last evaluated: 2023-04-04. Review status: criteria provided, single submitter. Criteria: Invitae Variant Classification Sherloc (09022015). Collection method: clinical testing. Allele origin: germline.
Comment: This sequence change replaces alanine, which is neutral and non-polar, with valine, which is neutral and non-polar, at codon 758 of the TERT protein (p.Ala758Val). This variant is not present in population databases (gnomAD no frequency). This variant has not been reported in the literature in individuals affected with TERT-related conditions. Advanced modeling of protein sequence and biophysical properties (such as structural, functional, and spatial information, amino acid conservation, physicochemical variation, residue mobility, and thermodynamic stability) has been performed at Invitae for this missense variant, however the output from this modeling did not meet the statistical confidence thresholds required to predict the impact of this variant on TERT protein function. In summary, the available evidence is currently insufficient to determine the role of this variant in disease. Therefore, it has been classified as a Variant of Uncertain Significance.

Literature cited by the submitters: PubMed 20301779 (cited by Victorian Clinical Genetics Services, Murdoch Childrens Research Institute).

NM_198253.3(TERT):c.2273C>T (p.Ala758Val)

Gene: TERT (telomerase reverse transcriptase; minus strand). Cytogenetic location: 5p15.33.
Variant type: single nucleotide variant.
Coding change: c.2273C>T on transcript NM_198253.3 (MANE Select); coding-DNA position 2273, C replaced by T.
Protein change: p.Ala758Val; replaces alanine 758 with valine.
Molecular consequence: missense variant. On other transcripts: non-coding transcript variant (2).
Genome position (GRCh38, 1-based): chr5:1,278,654, G>A on the plus strand (C>T on the coding strand, the complement: TERT is on the minus strand). VCF-style: chr5-1278654-G-A. GRCh37 (hg19) VCF-style: chr5-1278769-G-A.
Other names: c.2273C>T, p.Ala758Val (NM_001193376.3, NM_003219.1); short protein forms A758V.
Identifiers: ClinVar variation 2944225 (VCV002944225.4), dbSNP rs2478267478, ClinGen allele CA359078773.